The following is an entry in ClinVar:

ClinVar aggregate classification (germline): Uncertain significance (1 of 4 stars; one submission).

Conditions:
Frontotemporal dementia and/or amyotrophic lateral sclerosis 4. Also called: FTDALS4. Identifiers: Orphanet 275872, MedGen C4225325, MONDO:0014641, OMIM 616439.

gnomAD v4.1: 2 of 1,609,270 alleles (0.00012%); highest among the groups gnomAD compares: Non-Finnish European, 0.00017%; no homozygotes.

Submission:

Labcorp Genetics (formerly Invitae), Labcorp
Classification: Uncertain significance for Frontotemporal dementia and/or amyotrophic lateral sclerosis 4. Last evaluated: 2024-08-27. Review status: criteria provided, single submitter. Criteria: Invitae Variant Classification Sherloc (09022015). Collection method: clinical testing. Allele origin: germline.
Comment: This sequence change replaces methionine, which is neutral and non-polar, with threonine, which is neutral and polar, at codon 309 of the TBK1 protein (p.Met309Thr). This variant is present in population databases (no rsID available, gnomAD 0.0009%). This variant has not been reported in the literature in individuals affected with TBK1-related conditions. Invitae Evidence Modeling of protein sequence and biophysical properties (such as structural, functional, and spatial information, amino acid conservation, physicochemical variation, residue mobility, and thermodynamic stability) indicates that this missense variant is not expected to disrupt TBK1 protein function with a negative predictive value of 95%. In summary, the available evidence is currently insufficient to determine the role of this variant in disease. Therefore, it has been classified as a Variant of Uncertain Significance.

NM_013254.4(TBK1):c.926T>C (p.Met309Thr)

Gene: TBK1 (TANK binding kinase 1; plus strand). Cytogenetic location: 12q14.2.
Variant type: single nucleotide variant.
Coding change: c.926T>C on transcript NM_013254.4 (MANE Select); coding-DNA position 926, T replaced by C.
Protein change: p.Met309Thr; replaces methionine 309 with threonine.
Molecular consequence: missense variant.
Genome position (GRCh38, 1-based): chr12:64,481,955, T>C. VCF-style: chr12-64481955-T-C. GRCh37 (hg19) VCF-style: chr12-64875735-T-C.
Other names: short protein forms M309T.
Identifiers: ClinVar variation 3680283 (VCV003680283.2).